The following is an entry in ClinVar:

NM_017797.4(BTBD2):c.432C>T (p.Ala144=)

Gene: BTBD2 (BTB domain containing 2; minus strand). Cytogenetic location: 19p13.3.
Variant type: single nucleotide variant.
Coding change: c.432C>T on transcript NM_017797.4 (MANE Select); coding-DNA position 432, C replaced by T.
Protein change: p.Ala144=; no amino-acid change (alanine 144 retained).
Molecular consequence: synonymous variant.
Genome position (GRCh38, 1-based): chr19:1,997,439, G>A on the plus strand (C>T on the coding strand, the complement: BTBD2 is on the minus strand). VCF-style: chr19-1997439-G-A. GRCh37 (hg19) VCF-style: chr19-1997438-G-A.
Identifiers: ClinVar variation 2648956 (VCV002648956.24), dbSNP rs144229360, ClinGen allele CA9056479.

ClinVar aggregate classification (germline): Likely benign (1 of 4 stars; one submission).

Allele frequency attached by ClinVar (database versions not stated): 1000 Genomes Project 30x 0.00047; 1000 Genomes Project 0.00060; ESP Exome Variant Server 0.00085; TOPMed 0.00101; gnomAD 0.00116; ExAC 0.00122; gnomAD exomes 0.00144.
gnomAD v4.1: 2,265 of 1,614,126 alleles (0.14%); highest among the groups gnomAD compares: Middle Eastern, 0.58%; 5 homozygotes.

Submission:

CeGaT Center for Human Genetics Tuebingen
Classification: Likely benign. Last evaluated: 2023-01-01. Review status: criteria provided, single submitter. Criteria: CeGaT Center For Human Genetics Tuebingen Variant Classification Criteria Version 2. Collection method: clinical testing. Allele origin: germline. Affected: yes. Observed: 1 variant allele.
Comment: BTBD2: BP4, BP7